The following is an entry in ClinVar:

ClinVar aggregate classification (germline): Uncertain significance (1 of 4 stars; one submission).

Conditions:
Methylmalonic acidemia with homocystinuria, type cblJ (MAHCJ). Also called: METHYLMALONIC ACIDURIA AND HOMOCYSTINURIA, cblJ TYPE. Identifiers: Orphanet 369955, MedGen C3553915, MONDO:0013925, OMIM 614857.

Allele frequency attached by ClinVar (database versions not stated): TOPMed below 0.00001; ExAC 0.00001; gnomAD exomes 0.00001.
gnomAD v4.1: 4 of 1,613,540 alleles (0.00025%); highest among the groups gnomAD compares: Admixed American, 0.0067%; no homozygotes.

Submission:

Labcorp Genetics (formerly Invitae), Labcorp
Classification: Uncertain significance for Methylmalonic acidemia with homocystinuria, type cblJ. Last evaluated: 2024-11-11. Review status: criteria provided, single submitter. Criteria: Invitae Variant Classification Sherloc (09022015). Collection method: clinical testing. Allele origin: germline.
Comment: This sequence change replaces leucine, which is neutral and non-polar, with valine, which is neutral and non-polar, at codon 327 of the ABCD4 protein (p.Leu327Val). This variant is present in population databases (rs762583591, gnomAD 0.006%). This variant has not been reported in the literature in individuals affected with ABCD4-related conditions. ClinVar contains an entry for this variant (Variation ID: 1903923). An algorithm developed to predict the effect of missense changes on protein structure and function (PolyPhen-2) suggests that this variant is likely to be disruptive. In summary, the available evidence is currently insufficient to determine the role of this variant in disease. Therefore, it has been classified as a Variant of Uncertain Significance.

NM_005050.4(ABCD4):c.979C>G (p.Leu327Val)

Gene: ABCD4 (ATP binding cassette subfamily D member 4; minus strand). Cytogenetic location: 14q24.3.
Variant type: single nucleotide variant.
Coding change: c.979C>G on transcript NM_005050.4 (MANE Select); coding-DNA position 979, C replaced by G.
Protein change: p.Leu327Val; replaces leucine 327 with valine.
Molecular consequence: missense variant. On other transcripts: non-coding transcript variant (10).
Genome position (GRCh38, 1-based): chr14:74,292,600, G>C on the plus strand (C>G on the coding strand, the complement: ABCD4 is on the minus strand). VCF-style: chr14-74292600-G-C. GRCh37 (hg19) VCF-style: chr14-74759303-G-C.
Other names: c.853C>G, p.Leu285Val (NM_001353591.2, NM_001353592.2); c.718C>G, p.Leu240Val (NM_001353593.2); c.667C>G, p.Leu223Val (NM_001353594.2); c.565C>G, p.Leu189Val (NM_001353595.2, NM_001353596.2); c.514C>G, p.Leu172Val (NM_001353597.2); c.502C>G, p.Leu168Val (NM_001353598.2, NM_001353599.2, NM_001353600.2 and 2 more transcripts); c.190C>G, p.Leu64Val (NM_001353602.2, NM_001353603.2, NM_001353604.2 and 6 more transcripts); c.850C>G, p.Leu284Val (NM_020323.1); and 1 more; short protein forms L168V, L172V, L284V, L189V, L223V, L240V, L285V, L327V.
Identifiers: ClinVar variation 1903923 (VCV001903923.4), dbSNP rs762583591, ClinGen allele CA7266986.